The following is an entry in ClinVar:

NM_000089.4(COL1A2):c.857G>C (p.Gly286Ala)

Gene: COL1A2 (collagen type I alpha 2 chain; plus strand). Cytogenetic location: 7q21.3.
Variant type: single nucleotide variant.
Coding change: c.857G>C on transcript NM_000089.4 (MANE Select); coding-DNA position 857, G replaced by C.
Protein change: p.Gly286Ala; replaces glycine 286 with alanine.
Molecular consequence: missense variant.
Genome position (GRCh38, 1-based): chr7:94,409,386, G>C. VCF-style: chr7-94409386-G-C. GRCh37 (hg19) VCF-style: chr7-94038698-G-C.
Other names: short protein forms G286A.
Identifiers: ClinVar variation 1071306 (VCV001071306.13), dbSNP rs67210352, ClinGen allele CA162919692.
Genomic context (GRCh38, chr7:94,409,386, plus strand): 5'-AAATTGGAGCTGTTGGTAACGCTGGTCCTGCTGGTCCCGCCGGTCCCCGTGGTGAAGTGG[G>C]TCTTCCAGGCCTCTCCGGCCCCGTTGGACCTCCTGTAAGTAGCCACTGTCTTTAAACTTT-3'
Protein context (NP_000080.2, residues 276-296): AGPAGPRGEV[Gly286Ala]LPGLSGPVGP

ClinVar aggregate classification (germline): Pathogenic/Likely pathogenic. Review status: criteria provided, multiple submitters, no conflicts (2 of 4 stars). 3 submissions from 3 submitters: Pathogenic (1); Likely pathogenic (2). Last evaluated 2023-03-30.

Conditions:
Osteogenesis imperfecta type I (OI1). Also called: OI, TYPE I; OSTEOGENESIS IMPERFECTA TARDA; OSTEOGENESIS IMPERFECTA WITH BLUE SCLERAE; Osteogenesis imperfecta type 1; Lobstein's Disease; Classic Non-deforming Osteogenesis Imperfecta with Blue Sclerae. Identifiers: Orphanet 216796, Orphanet 666, MedGen C0023931, MONDO:0008146, OMIM 166200. Disease mechanism: loss of function.
Ehlers-Danlos syndrome, classic type, 1 (EDSCL1). Also called: Ehlers-Danlos syndrome, type 1; Ehlers-Danlos Syndrome, Classic Type, COL5A1-Related; EDS I; EHLERS-DANLOS SYNDROME, GRAVIS TYPE; EHLERS-DANLOS SYNDROME, SEVERE CLASSIC TYPE. Identifiers: MedGen C0268335, MONDO:0019567, OMIM 130000.
Osteogenesis imperfecta (OI). Identifiers: Orphanet 666, MedGen C0029434, MeSH D010013, MONDO:0019019.
COL1A2-related disorder. Also called: COL1A2-related condition; COL1A2-Related Disorders.

Submissions (3):

Molecular Genetics, Royal Melbourne Hospital
Classification: Likely pathogenic for Osteogenesis imperfecta. Last evaluated: 2023-03-30. Review status: criteria provided, single submitter. Criteria: ACMG Guidelines, 2015. Collection method: clinical testing. Allele origin: germline. Affected: yes.
Comment: This sequence change is predicted to replace glycine with alanine at codon 286 of the COL1A2 protein, p.(Gly286Ala). The glycine residue is highly conserved (100 vertebrates, UCSC), and is located in a Gly-X-Y triplet repeat in the collagen alpha 1 chain triple helical domain. There is a moderate physicochemical difference between glycine and alanine. The variant is absent in a large population cohort (gnomAD v2.1), and has been identified in a case diagnosed with osteogenesis imperfecta type IV (PMID: 11317364). Multiple lines of computational evidence predict a deleterious effect for the missense substitution (6/6 algorithms). A different missense change at this amino acid residue (p.Gly286Ser) has been determined to be likely pathogenic (PMID: 25944380). Based on the classification scheme RMH ACMG Guidelines v1.2.1, this variant is classified as LIKELY PATHOGENIC. Following criteria are met: PM1, PM2, PM5, PP3.

Blueprint Genetics
Classification: Likely pathogenic for COL1A2-related disorders. Last evaluated: 2022-12-21. Review status: criteria provided, single submitter. Criteria: ACMG Guidelines, 2015. Collection method: clinical testing. Allele origin: germline. Affected: yes. Observed: 1 variant allele.

Labcorp Genetics (formerly Invitae), Labcorp
Classification: Pathogenic for Osteogenesis imperfecta type I; Ehlers-Danlos syndrome, classic type, 1. Last evaluated: 2020-07-16. Review status: criteria provided, single submitter. Criteria: Invitae Variant Classification Sherloc (09022015). Collection method: clinical testing. Allele origin: germline.
Comment: This variant has been observed in individual(s) with osteogenesis imperfecta (PMID: 11317364). This variant is also known as G196A in the literature. This variant is not present in population databases (ExAC no frequency). This sequence change replaces glycine with alanine at codon 286 of the COL1A2 protein (p.Gly286Ala). The glycine residue is highly conserved and there is a small physicochemical difference between glycine and alanine. For these reasons, this variant has been classified as Pathogenic. This variant disrupts the triple helix domain of COL1A2. Glycine residues within the Gly-Xaa-Yaa repeats of the triple helix domain are required for the structure and stability of fibrillar collagens (PMID: 7695699, 8218237, 19344236). In COL1A2, variants affecting these glycine residues are significantly enriched in individuals with disease (PMID: 9016532, 17078022) compared to the general population (ExAC).

Literature cited by the submitters: PubMed 11317364 (cited by Molecular Genetics, Royal Melbourne Hospital and Labcorp Genetics (formerly Invitae), Labcorp); PubMed 25944380 (cited by Molecular Genetics, Royal Melbourne Hospital); PubMed 7695699 (cited by Labcorp Genetics (formerly Invitae), Labcorp); PubMed 8218237 (cited by Labcorp Genetics (formerly Invitae), Labcorp); PubMed 19344236 (cited by Labcorp Genetics (formerly Invitae), Labcorp); PubMed 9016532 (cited by Labcorp Genetics (formerly Invitae), Labcorp); PubMed 17078022 (cited by Labcorp Genetics (formerly Invitae), Labcorp).